The following is an entry in ClinVar:

NM_033238.3(PML):c.1710+1245A>G

Gene: PML (PML nuclear body scaffold; plus strand). Cytogenetic location: 15q24.1.
Variant type: single nucleotide variant.
Coding change: c.1710+1245A>G on transcript NM_033238.3 (MANE Select); 1245 bases into the intron after coding-DNA position 1710, A replaced by G.
Molecular consequence: intron variant. On other transcripts: missense variant (2), 3 prime UTR variant (2).
Genome position (GRCh38, 1-based): chr15:74,035,775, A>G. VCF-style: chr15-74035775-A-G. GRCh37 (hg19) VCF-style: chr15-74328116-A-G.
Other names: c.2314A>G, p.Ser772Gly (NM_033239.3); c.*1119A>G (NM_033240.3); c.*639A>G (NM_033244.4); c.2170A>G, p.Ser724Gly (NM_033250.3); c.1710+1245A>G (NM_002675.4); c.1566+1245A>G (NM_033249.3); c.*35+1245A>G (NM_033246.3); c.1255-232A>G (NM_033247.3); and 1 more; short protein forms S724G, S772G.
Identifiers: ClinVar variation 403329 (VCV000403329.7), dbSNP rs743580, ClinGen allele CA7652866.

ClinVar aggregate classification (germline): Benign. Review status: criteria provided, multiple submitters, no conflicts (2 of 4 stars). 3 submissions from 3 submitters: Benign (2). 1 of the submissions does not count toward it. Last evaluated 2016-03-28.

Conditions:
PML-related disorder. Also called: PML-related condition.

Allele frequency attached by ClinVar (database versions not stated): gnomAD exomes 0.50302 and 0.52308; TOPMed 0.51066; gnomAD 0.51511 and 0.51783; ExAC 0.52259; 1000 Genomes Project 30x 0.54919; 1000 Genomes Project 0.55192; ESP Exome Variant Server 0.49908.
gnomAD v4.1: 813,944 of 1,613,706 alleles (50%); highest among the groups gnomAD compares: East Asian, 65%; 206,528 homozygotes.

Submissions (3):

Laboratory for Molecular Medicine, Mass General Brigham Personalized Medicine
Classification: Benign. Last evaluated: 2016-03-28. Review status: criteria provided, single submitter. Criteria: LMM Criteria. Collection method: clinical testing. Allele origin: germline.
Comment: Variant identified in a genome or exome case(s) and assessed due to predicted null impact of the variant or pathogenic assertions in the literature or databases. Disclaimer: This variant has not undergone full assessment. The following are preliminary notes: Frequency

Breakthrough Genomics
Classification: Benign. Review status: criteria provided, single submitter. Criteria: ACMG Guidelines, 2015. Collection method: not provided. Allele origin: germline. Inheritance: Unknown mechanism. Affected: yes.

PreventionGenetics, part of Exact Sciences
Classification: Benign for PML-related condition. Last evaluated: 2019-10-17. Review status: no assertion criteria provided. Collection method: clinical testing. Allele origin: germline. Not counted in ClinVar's aggregate classification.
Comment: This variant is classified as benign based on ACMG/AMP sequence variant interpretation guidelines (Richards et al. 2015 PMID: 25741868, with internal and published modifications).